The following is an entry in ClinVar:

ClinVar aggregate classification (germline): Uncertain significance. Review status: criteria provided, multiple submitters, no conflicts (2 of 4 stars). 3 submissions from 3 submitters: Uncertain significance (3). Last evaluated 2025-06-18.

Conditions:
Inborn genetic diseases. Identifiers: MedGen C0950123, MeSH D030342.

Allele frequency attached by ClinVar (database versions not stated): gnomAD 0.00001; TOPMed 0.00002.
gnomAD v4.1: 3 of 1,582,928 alleles (0.00019%); highest among the groups gnomAD compares: African/African-American, 0.0013%; no homozygotes.

Submissions (3):

Ambry Genetics
Classification: Uncertain significance for Inborn genetic diseases. Last evaluated: 2025-06-18. Review status: criteria provided, single submitter. Criteria: Ambry Variant Classification Scheme 2023. Collection method: clinical testing. Allele origin: germline.

Labcorp Genetics (formerly Invitae), Labcorp
Classification: Uncertain significance. Last evaluated: 2023-10-23. Review status: criteria provided, single submitter. Criteria: Invitae Variant Classification Sherloc (09022015). Collection method: clinical testing. Allele origin: germline.
Comment: This sequence change replaces aspartic acid, which is acidic and polar, with glutamic acid, which is acidic and polar, at codon 121 of the PDE6B protein (p.Asp121Glu). This variant is not present in population databases (gnomAD no frequency). This variant has not been reported in the literature in individuals affected with PDE6B-related conditions. Advanced modeling of protein sequence and biophysical properties (such as structural, functional, and spatial information, amino acid conservation, physicochemical variation, residue mobility, and thermodynamic stability) performed at Invitae indicates that this missense variant is not expected to disrupt PDE6B protein function with a negative predictive value of 95%. In summary, the available evidence is currently insufficient to determine the role of this variant in disease. Therefore, it has been classified as a Variant of Uncertain Significance.

Blueprint Genetics
Classification: Uncertain significance. Last evaluated: 2022-08-05. Review status: criteria provided, single submitter. Criteria: ACMG Guidelines, 2015. Collection method: clinical testing. Allele origin: germline.

NM_000283.4(PDE6B):c.363C>A (p.Asp121Glu)

Gene: PDE6B (phosphodiesterase 6B; plus strand). Cytogenetic location: 4p16.3.
Variant type: single nucleotide variant.
Coding change: c.363C>A on transcript NM_000283.4 (MANE Select); coding-DNA position 363, C replaced by A.
Protein change: p.Asp121Glu; replaces aspartic acid 121 with glutamic acid.
Molecular consequence: missense variant.
Genome position (GRCh38, 1-based): chr4:625,989, C>A. VCF-style: chr4-625989-C-A. GRCh37 (hg19) VCF-style: chr4-619778-C-A.
Other names: c.363C>A (NM_000283.3); c.363C>A, p.Asp121Glu (NM_001145291.2); short protein forms D121E.
Identifiers: ClinVar variation 2871217 (VCV002871217.5), dbSNP rs1010157675, ClinGen allele CA91052349.